The following is an entry in ClinVar:

NM_153460.4(IL17RC):c.1796G>A (p.Gly599Glu)

Gene: IL17RC (interleukin 17 receptor C; plus strand). Cytogenetic location: 3p25.3.
Variant type: single nucleotide variant.
Coding change: c.1796G>A on transcript NM_153460.4 (MANE Select); coding-DNA position 1796, G replaced by A.
Protein change: p.Gly599Glu; replaces glycine 599 with glutamic acid.
Molecular consequence: missense variant. On other transcripts: non-coding transcript variant (1).
Genome position (GRCh38, 1-based): chr3:9,933,226, G>A. VCF-style: chr3-9933226-G-A. GRCh37 (hg19) VCF-style: chr3-9974910-G-A.
Other names: c.1757G>A, p.Gly586Glu (NM_001203263.2); c.1706G>A, p.Gly569Glu (NM_001203264.2); c.1700G>A, p.Gly567Glu (NM_001203265.2); c.1718G>A, p.Gly573Glu (NM_001367278.1); c.1637G>A, p.Gly546Glu (NM_001367279.1); c.1712G>A, p.Gly571Glu (NM_001367280.1); c.1661G>A, p.Gly554Glu (NM_001410711.1); c.1751G>A, p.Gly584Glu (NM_032732.6); and 1 more; short protein forms G546E, G569E, G599E, G554E, G567E, G573E, G584E, G571E.
Identifiers: ClinVar variation 4724491 (VCV004724491.1).
Genomic context (GRCh38, chr3:9,933,226, plus strand): 5'-TGCTCTTCTCTCCCGGTGCGGTGGCGCTGTGCAGCGAGTGGCTACAGGATGGGGTGTCCG[G>A]GCCCGGGGCGCACGGCCCGCACGACGCCTTCCGCGCCTCGCTCAGCTGCGTGCTGCCCGA-3'
Protein context (NP_703190.2, residues 589-609): CSEWLQDGVS[Gly599Glu]PGAHGPHDAF

ClinVar aggregate classification (germline): Uncertain significance (1 of 4 stars; one submission).

Conditions:
Candidiasis, familial, 9 (CANDF9). Identifiers: Orphanet 1334, MedGen C4225324, MONDO:0014642, OMIM 616445.

Submission:

Labcorp Genetics (formerly Invitae), Labcorp
Classification: Uncertain significance for Candidiasis, familial, 9. Last evaluated: 2025-04-11. Review status: criteria provided, single submitter. Criteria: Invitae Variant Classification Sherloc (09022015). Collection method: clinical testing. Allele origin: germline.
Comment: This sequence change replaces glycine, which is neutral and non-polar, with glutamic acid, which is acidic and polar, at codon 670 of the IL17RC protein (p.Gly670Glu). This variant is not present in population databases (gnomAD no frequency). This variant has not been reported in the literature in individuals affected with IL17RC-related conditions. An algorithm developed to predict the effect of missense changes on protein structure and function (PolyPhen-2) suggests that this variant is likely to be tolerated. In summary, the available evidence is currently insufficient to determine the role of this variant in disease. Therefore, it has been classified as a Variant of Uncertain Significance.